The following is an entry in ClinVar:

NM_001127217.3(SMAD9):c.995T>C (p.Ile332Thr)

Gene: SMAD9 (SMAD family member 9; minus strand). Cytogenetic location: 13q13.3.
Variant type: single nucleotide variant.
Coding change: c.995T>C on transcript NM_001127217.3 (MANE Select); coding-DNA position 995, T replaced by C.
Protein change: p.Ile332Thr; replaces isoleucine 332 with threonine.
Molecular consequence: missense variant.
Genome position (GRCh38, 1-based): chr13:36,865,545, A>G on the plus strand (T>C on the coding strand, the complement: SMAD9 is on the minus strand). VCF-style: chr13-36865545-A-G. GRCh37 (hg19) VCF-style: chr13-37439682-A-G.
Other names: c.884T>C, p.Ile295Thr (NM_001378621.1, NM_005905.6); c.884T>C (NM_005905.5); short protein forms I332T, I295T.
Identifiers: ClinVar variation 2761750 (VCV002761750.3), dbSNP rs767433709, ClinGen allele CA6950421.

ClinVar aggregate classification (germline): Uncertain significance. Review status: criteria provided, multiple submitters, no conflicts (2 of 4 stars). 3 submissions from 3 submitters: Uncertain significance (3). Last evaluated 2025-06-26.

Conditions:
Inborn genetic diseases. Identifiers: MedGen C0950123, MeSH D030342.
Pulmonary hypertension, primary, 2. Identifiers: Orphanet 422, MedGen C3888002, MONDO:0014134, OMIM 615342.

Allele frequency attached by ClinVar (database versions not stated): gnomAD 0.00001; ExAC 0.00002; gnomAD exomes 0.00002; TOPMed 0.00002.
gnomAD v4.1: 36 of 1,612,076 alleles (0.0022%); highest among the groups gnomAD compares: Non-Finnish European, 0.0025%; no homozygotes.

Submissions (3):

Ambry Genetics
Classification: Uncertain significance for Inborn genetic diseases. Last evaluated: 2025-06-26. Review status: criteria provided, single submitter. Criteria: Ambry Variant Classification Scheme 2023. Collection method: clinical testing. Allele origin: germline.

MVZ Martinsried, Medicover Genetics
Classification: Uncertain significance for Pulmonary hypertension, primary, 2. Last evaluated: 2024-07-30. Review status: criteria provided, single submitter. Criteria: ACGS Guidelines, 2020. Collection method: clinical testing. Allele origin: unknown. Affected: yes.

Labcorp Genetics (formerly Invitae), Labcorp
Classification: Uncertain significance for Pulmonary hypertension, primary, 2. Last evaluated: 2023-05-05. Review status: criteria provided, single submitter. Criteria: Invitae Variant Classification Sherloc (09022015). Collection method: clinical testing. Allele origin: germline.
Comment: This variant has not been reported in the literature in individuals affected with SMAD9-related conditions. This variant is present in population databases (rs767433709, gnomAD 0.006%). This sequence change replaces isoleucine, which is neutral and non-polar, with threonine, which is neutral and polar, at codon 332 of the SMAD9 protein (p.Ile332Thr). Advanced modeling of protein sequence and biophysical properties (such as structural, functional, and spatial information, amino acid conservation, physicochemical variation, residue mobility, and thermodynamic stability) performed at Invitae indicates that this missense variant is expected to disrupt SMAD9 protein function. In summary, the available evidence is currently insufficient to determine the role of this variant in disease. Therefore, it has been classified as a Variant of Uncertain Significance.